The following is an entry in ClinVar:

ClinVar aggregate classification (germline): Uncertain significance. Review status: criteria provided, multiple submitters, no conflicts (2 of 4 stars). 2 submissions from 2 submitters: Uncertain significance (2). Last evaluated 2024-04-20.

Conditions:
Long QT syndrome (LQTS). Identifiers: MedGen C0023976, MeSH D008133, MONDO:0002442. Disease mechanism: loss of function. Inheritance: Various modes of inheritance.
Cardiovascular phenotype. Identifiers: MedGen CN230736.

Submissions (2):

Ambry Genetics
Classification: Uncertain significance for Cardiovascular phenotype. Last evaluated: 2024-04-20. Review status: criteria provided, single submitter. Criteria: Ambry Variant Classification Scheme 2023. Collection method: clinical testing. Allele origin: germline.
Comment: The p.L123P variant (also known as c.368T>C), located in coding exon 2 of the CAV3 gene, results from a T to C substitution at nucleotide position 368. The leucine at codon 123 is replaced by proline, an amino acid with similar properties. This amino acid position is conserved. In addition, this alteration is predicted to be deleterious by in silico analysis. Based on the available evidence, the clinical significance of this variant remains unclear.

Labcorp Genetics (formerly Invitae), Labcorp
Classification: Uncertain significance for Long QT syndrome. Last evaluated: 2022-09-19. Review status: criteria provided, single submitter. Criteria: Invitae Variant Classification Sherloc (09022015). Collection method: clinical testing. Allele origin: germline.
Comment: Algorithms developed to predict the effect of missense changes on protein structure and function (SIFT, PolyPhen-2, Align-GVGD) all suggest that this variant is likely to be disruptive. This variant has not been reported in the literature in individuals affected with CAV3-related conditions. This variant is not present in population databases (gnomAD no frequency). This sequence change replaces leucine, which is neutral and non-polar, with proline, which is neutral and non-polar, at codon 123 of the CAV3 protein (p.Leu123Pro). In summary, the available evidence is currently insufficient to determine the role of this variant in disease. Therefore, it has been classified as a Variant of Uncertain Significance.

NM_033337.3(CAV3):c.368T>C (p.Leu123Pro)

Genes: CAV3 (caveolin 3; plus strand), OXTR (oxytocin receptor; minus strand). Cytogenetic location: 3p25.3.
Variant type: single nucleotide variant.
Coding change: c.368T>C on transcript NM_033337.3 (MANE Select); coding-DNA position 368, T replaced by C.
Protein change: p.Leu123Pro; replaces leucine 123 with proline.
Molecular consequence: missense variant.
Genome position (GRCh38, 1-based): chr3:8,745,779, T>C. VCF-style: chr3-8745779-T-C. GRCh37 (hg19) VCF-style: chr3-8787465-T-C.
Other names: c.368T>C, p.Leu123Pro (NM_001234.5); short protein forms L123P.
Identifiers: ClinVar variation 1953743 (VCV001953743.6), dbSNP rs2470062633, ClinGen allele CA351663623.
Genomic context (GRCh38, chr3:8,745,779, plus strand): 5'-TGGTGCCATGCATTAAGAGCTACCTGATCGAGATCCAGTGCATCAGCCACATCTACTCAC[T>C]CTGCATCCGCACCTTCTGCAACCCACTCTTCGCGGCCCTGGGCCAGGTCTGCAGCAGCAT-3'
Protein context (NP_203123.1, residues 113-133): EIQCISHIYS[Leu123Pro]CIRTFCNPLF